The following is an entry in ClinVar:

ClinVar aggregate classification (germline): Uncertain significance (1 of 4 stars; one submission).

Conditions:
Werner syndrome (WRN). Identifiers: Orphanet 902, MedGen C0043119, MONDO:0010196, OMIM 277700.

gnomAD v4.1: 1 of 1,612,796 alleles (0.000062%); no homozygotes.

Submission:

Labcorp Genetics (formerly Invitae), Labcorp
Classification: Uncertain significance for Werner syndrome. Last evaluated: 2023-04-19. Review status: criteria provided, single submitter. Criteria: Invitae Variant Classification Sherloc (09022015). Collection method: clinical testing. Allele origin: germline.
Comment: In summary, the available evidence is currently insufficient to determine the role of this variant in disease. Therefore, it has been classified as a Variant of Uncertain Significance. Algorithms developed to predict the effect of sequence changes on RNA splicing suggest that this variant may create or strengthen a splice site. Algorithms developed to predict the effect of missense changes on protein structure and function output the following: SIFT: "Not Available"; PolyPhen-2: "Benign"; Align-GVGD: "Not Available". The serine amino acid residue is found in multiple mammalian species, which suggests that this missense change does not adversely affect protein function. ClinVar contains an entry for this variant (Variation ID: 1006609). This variant has not been reported in the literature in individuals affected with WRN-related conditions. This variant is not present in population databases (gnomAD no frequency). This sequence change replaces glycine, which is neutral and non-polar, with serine, which is neutral and polar, at codon 1393 of the WRN protein (p.Gly1393Ser).

NM_000553.6(WRN):c.4177G>A (p.Gly1393Ser)

Gene: WRN (WRN RecQ like helicase; plus strand). Cytogenetic location: 8p12.
Variant type: single nucleotide variant.
Coding change: c.4177G>A on transcript NM_000553.6 (MANE Select); coding-DNA position 4177, G replaced by A.
Protein change: p.Gly1393Ser; replaces glycine 1393 with serine.
Molecular consequence: missense variant.
Genome position (GRCh38, 1-based): chr8:31,167,216, G>A. VCF-style: chr8-31167216-G-A. GRCh37 (hg19) VCF-style: chr8-31024732-G-A.
Other names: short protein forms G1393S.
Identifiers: ClinVar variation 1006609 (VCV001006609.5), dbSNP rs1803933445, ClinGen allele CA370910060.